The following is an entry in ClinVar:

ClinVar aggregate classification (germline): Uncertain significance (1 of 4 stars; one submission).

gnomAD v4.1: 5 of 1,614,044 alleles (0.00031%); highest among the groups gnomAD compares: Non-Finnish European, 0.00042%; no homozygotes.

Submission:

Labcorp Genetics (formerly Invitae), Labcorp
Classification: Uncertain significance. Last evaluated: 2025-06-17. Review status: criteria provided, single submitter. Criteria: Invitae Variant Classification Sherloc (09022015). Collection method: clinical testing. Allele origin: germline.
Comment: This sequence change replaces threonine, which is neutral and polar, with alanine, which is neutral and non-polar, at codon 338 of the IFNAR2 protein (p.Thr338Ala). This variant is present in population databases (rs750265484, gnomAD 0.002%). This variant has not been reported in the literature in individuals affected with IFNAR2-related conditions. An algorithm developed to predict the effect of missense changes on protein structure and function (PolyPhen-2) suggests that this variant is likely to be disruptive. In summary, the available evidence is currently insufficient to determine the role of this variant in disease. Therefore, it has been classified as a Variant of Uncertain Significance.

NM_001289125.3(IFNAR2):c.1012A>G (p.Thr338Ala)

Genes: IFNAR2 (interferon alpha and beta receptor subunit 2; plus strand), IFNAR2-IL10RB (IFNAR2-IL10RB readthrough; plus strand). Cytogenetic location: 21q22.11.
Variant type: single nucleotide variant.
Coding change: c.1012A>G on transcript NM_001289125.3 (MANE Select); coding-DNA position 1012, A replaced by G.
Protein change: p.Thr338Ala; replaces threonine 338 with alanine.
Molecular consequence: missense variant. On other transcripts: 3 prime UTR variant (5), intron variant (1).
Genome position (GRCh38, 1-based): chr21:33,262,964, A>G. VCF-style: chr21-33262964-A-G. GRCh37 (hg19) VCF-style: chr21-34635269-A-G.
Other names: c.*248A>G (NM_000874.5, NM_207584.3); c.*161A>G (NM_001289126.2, NM_001289128.2); c.*387A>G (NM_001385054.1); c.1012A>G, p.Thr338Ala (NM_001385055.1, NM_207585.3); c.710-5430A>G (NM_001414505.1); short protein forms T338A.
Identifiers: ClinVar variation 4699371 (VCV004699371.1).